The following is an entry in ClinVar:

NM_015506.3(MMACHC):c.472T>C (p.Phe158Leu)

Gene: MMACHC (metabolism of cobalamin associated C; plus strand). Cytogenetic location: 1p34.1.
Variant type: single nucleotide variant.
Coding change: c.472T>C on transcript NM_015506.3 (MANE Select); coding-DNA position 472, T replaced by C.
Protein change: p.Phe158Leu; replaces phenylalanine 158 with leucine.
Molecular consequence: missense variant.
Genome position (GRCh38, 1-based): chr1:45,508,838, T>C. VCF-style: chr1-45508838-T-C. GRCh37 (hg19) VCF-style: chr1-45974510-T-C.
Other names: c.301T>C, p.Phe101Leu (NM_001330540.2); short protein forms F158L, F101L.
Identifiers: ClinVar variation 203830 (VCV000203830.37), dbSNP rs201312386, ClinGen allele CA312734.

ClinVar aggregate classification (germline): Conflicting classifications of pathogenicity. Review status: criteria provided, conflicting classifications (1 of 4 stars). 17 submissions from 17 submitters: Likely pathogenic (1); Uncertain significance (11). 5 of the submissions do not count toward it. Last evaluated 2025-10-08.

Conditions:
Inborn genetic diseases. Identifiers: MedGen C0950123, MeSH D030342.
Disorders of Intracellular Cobalamin Metabolism. Identifiers: MedGen CN043592.
Cobalamin C disease. Also called: Cobalamin-C methylmalonic acidemia and homocystinuria; Methylmalonic acidemia and homocystinuria cblC type; Methylmalonic aciduria and homocystinuria, Vitamin B12-responsive; Vitamin B12 metabolic defect with combined deficiency of methylmalonyl-CoA mutase and homocysteine:methyltetrahydrofolate methyltransferase; methylmalonic aciduria and homocystinuria type cblC; Methylmalonic aciduria with homocystinuria cblC type. Identifiers: Orphanet 26, Orphanet 79282, MedGen C1848561, MONDO:0010184, OMIM 277400.

Allele frequency attached by ClinVar (database versions not stated): gnomAD exomes 0.00018 and 0.00022; gnomAD 0.00019 and 0.00021; TOPMed 0.00021; ExAC 0.00022; ESP Exome Variant Server 0.00016.
gnomAD v4.1: 307 of 1,614,054 alleles (0.019%); highest among the groups gnomAD compares: Middle Eastern, 0.49%; no homozygotes.

Submissions (17):

Women's Health and Genetics/Laboratory Corporation of America, LabCorp
Classification: Uncertain significance. Last evaluated: 2025-10-08. Review status: criteria provided, single submitter. Criteria: LabCorp Variant Classification Summary - May 2015. Collection method: clinical testing. Allele origin: germline.
Comment: Variant summary: MMACHC c.472T>C (p.Phe158Leu) results in a non-conservative amino acid change in the encoded protein sequence. Algorithms developed to predict the effect of missense changes on protein structure and function all suggest that this variant is likely to be disruptive. The variant allele was found at a frequency of 0.00022 in 249360 control chromosomes. This frequency is not significantly higher than estimated for disease-causing variants in MMACHC, allowing no conclusion about variant significance. c.472T>C has been observed in the homozygous state in an individual affected with Cobalamin C Disease (Methylmalonic Aciduria With Homocystinuria) who was reported as having Maple syrup urine disease in the original publication (Nair_2018). Therefore,these reports do not provide unequivocal conclusions about association of the variant with Methylmalonic Aciduria With Homocystinuria. To our knowledge, no experimental evidence demonstrating an impact on protein function has been reported. The following publications have been ascertained in the context of this evaluation (PMID: 23932106, 34445196, 38928247, 30293248, 31555752). ClinVar contains an entry for this variant (Variation ID: 203830). Based on the evidence outlined above, the variant was classified as uncertain significance.

3billion
Classification: Uncertain significance for Cobalamin C disease. Last evaluated: 2025-03-17. Review status: criteria provided, single submitter. Criteria: ACMG Guidelines, 2015. Collection method: clinical testing. Allele origin: germline. Affected: yes.

Blueprint Genetics
Classification: Uncertain significance. Last evaluated: 2024-11-21. Review status: criteria provided, single submitter. Criteria: ACMG Guidelines, 2015. Collection method: clinical testing. Allele origin: germline.

Labcorp Genetics (formerly Invitae), Labcorp
Classification: Uncertain significance for Cobalamin C disease. Last evaluated: 2024-10-24. Review status: criteria provided, single submitter. Criteria: Invitae Variant Classification Sherloc (09022015). Collection method: clinical testing. Allele origin: germline.
Comment: This sequence change replaces phenylalanine, which is neutral and non-polar, with leucine, which is neutral and non-polar, at codon 158 of the MMACHC protein (p.Phe158Leu). This variant is present in population databases (rs201312386, gnomAD 0.03%). This missense change has been observed in individual(s) with clinical features of MMACHC-related conditions (PMID: 30293248). ClinVar contains an entry for this variant (Variation ID: 203830). Invitae Evidence Modeling of protein sequence and biophysical properties (such as structural, functional, and spatial information, amino acid conservation, physicochemical variation, residue mobility, and thermodynamic stability) has been performed for this missense variant. However, the output from this modeling did not meet the statistical confidence thresholds required to predict the impact of this variant on MMACHC protein function. In summary, the available evidence is currently insufficient to determine the role of this variant in disease. Therefore, it has been classified as a Variant of Uncertain Significance.

Fulgent Genetics
Classification: Uncertain significance for Cobalamin C disease. Last evaluated: 2024-05-21. Review status: criteria provided, single submitter. Criteria: ACMG Guidelines, 2015. Collection method: clinical testing. Allele origin: germline.

Genomic Medicine Center of Excellence, King Faisal Specialist Hospital and Research Centre
Classification: Uncertain significance for Cobalamin C disease. Last evaluated: 2024-03-26. Review status: criteria provided, single submitter. Criteria: ACMG Guidelines, 2015. Collection method: clinical testing. Allele origin: germline.

Ambry Genetics
Classification: Uncertain significance for Inborn genetic diseases. Last evaluated: 2022-11-15. Review status: criteria provided, single submitter. Criteria: Ambry Variant Classification Scheme 2023. Collection method: clinical testing. Allele origin: germline.

Laboratorio de Genetica e Diagnostico Molecular, Hospital Israelita Albert Einstein
Classification: Uncertain significance. Last evaluated: 2022-01-06. Review status: criteria provided, single submitter. Criteria: ACMG Guidelines, 2015. Collection method: clinical testing. Allele origin: germline. Affected: yes.
Comment: ACMG classification criteria: PM2, PP3

Genome-Nilou Lab
Classification: Uncertain significance for Cobalamin C disease. Last evaluated: 2021-06-10. Review status: criteria provided, single submitter. Criteria: ACMG Guidelines, 2015. Collection method: clinical testing. Allele origin: germline. Affected: no.

Revvity Omics, Revvity
Classification: Uncertain significance for Cobalamin C disease. Last evaluated: 2021-04-07. Review status: criteria provided, single submitter. Criteria: ACMG Guidelines, 2015. Collection method: clinical testing. Allele origin: germline.

Illumina Laboratory Services, Illumina
Classification: Uncertain significance for Disorders of Intracellular Cobalamin Metabolism. Last evaluated: 2018-01-13. Review status: criteria provided, single submitter. Criteria: ICSL Variant Classification Criteria 13 December 2019. Collection method: clinical testing. Allele origin: germline.

Kariminejad - Najmabadi Pathology & Genetics Center
Classification: Likely pathogenic for Cobalamin C disease. Review status: criteria provided, single submitter. Criteria: ACMG Guidelines, 2015. Collection method: clinical testing. Allele origin: germline. Affected: no.

Natera, Inc.
Classification: Uncertain significance for Methylmalonic aciduria and homocystinuria cblC type. Last evaluated: 2018-04-27. Review status: no assertion criteria provided. Collection method: clinical testing. Allele origin: germline. Not counted in ClinVar's aggregate classification.

Counsyl
Classification: Uncertain significance for Cobalamin C disease. Last evaluated: 2017-01-19. Review status: no assertion criteria provided. Collection method: clinical testing. Allele origin: unknown. Not counted in ClinVar's aggregate classification.

Joint Genome Diagnostic Labs from Nijmegen and Maastricht, Radboudumc and MUMC+
Classification: Uncertain significance. Review status: no assertion criteria provided. Collection method: clinical testing. Allele origin: germline. Affected: yes. Study: VKGL Data-share Consensus. Not counted in ClinVar's aggregate classification.

Laboratory of Diagnostic Genome Analysis, Leiden University Medical Center (LUMC)
Classification: Uncertain significance. Review status: no assertion criteria provided. Collection method: clinical testing. Allele origin: germline. Affected: yes. Study: VKGL Data-share Consensus. Not counted in ClinVar's aggregate classification.

Molecular Medicine for Neurodegenerative and Neuromuscular Diseases Unit, IRCCS Fondazione Stella Maris
Classification: Likely pathogenic for Cobalamin C disease. Last evaluated: 2021-07-12. Review status: flagged submission. Criteria: ACMG Guidelines, 2015. Collection method: research. Allele origin: unknown. Affected: yes. Not counted in ClinVar's aggregate classification.
ClinVar note: Reason: Outlier claim with insufficient supporting evidence

Literature cited by the submitters: PubMed 30293248 (cited by 4 submitters); PubMed 23932106 (cited by Women's Health and Genetics/Laboratory Corporation of America, LabCorp and Ambry Genetics); PubMed 31555752 (cited by Women's Health and Genetics/Laboratory Corporation of America, LabCorp and Ambry Genetics); PubMed 34445196 (cited by Women's Health and Genetics/Laboratory Corporation of America, LabCorp and Ambry Genetics); PubMed 38928247 (cited by Women's Health and Genetics/Laboratory Corporation of America, LabCorp).